The following is an entry in ClinVar:

ClinVar aggregate classification (germline): Benign. Review status: criteria provided, multiple submitters, no conflicts (2 of 4 stars). 4 submissions from 4 submitters: Benign (3). 1 of the submissions does not count toward it. Last evaluated 2026-01-28.

Conditions:
Stage 5 chronic kidney disease. Also called: end stage renal failure; End-stage renal disease. Identifiers: MedGen C2316810, MONDO:0004375, HP:0003774.

Allele frequency attached by ClinVar (database versions not stated): gnomAD exomes 0.45746; ExAC 0.45997; TOPMed 0.46748; ESP Exome Variant Server 0.46917; 1000 Genomes Project 30x 0.47439; 1000 Genomes Project 0.47823.
gnomAD v4.1: 711,816 of 1,608,540 alleles (44%); highest among the groups gnomAD compares: African/African-American, 53%; 159,205 homozygotes.

Submissions (4):

Labcorp Genetics (formerly Invitae), Labcorp
Classification: Benign. Last evaluated: 2026-01-28. Review status: criteria provided, single submitter. Criteria: Invitae Variant Classification Sherloc (09022015). Collection method: clinical testing. Allele origin: germline.

GeneDx
Classification: Benign. Last evaluated: 2018-09-07. Review status: criteria provided, single submitter. Criteria: GeneDx Variant Classification Process June 2021. Collection method: clinical testing. Allele origin: germline. Affected: yes.
Comment: This variant is associated with the following publications: (PMID: 20975995, 23116393, 27434211, 22812913, 24923329, 26309615, 29065134, 17216203)

Breakthrough Genomics
Classification: Benign. Review status: criteria provided, single submitter. Criteria: ACMG Guidelines, 2015. Collection method: not provided. Allele origin: germline. Inheritance: Unknown mechanism. Affected: yes.

Bioinformatics & Molecular Biology Unit, Faculty of Science, Al-Azhar University
Classification: association for Stage 5 chronic kidney disease. Review status: no assertion criteria provided. Collection method: case-control. Allele origin: germline. Inheritance: Codominant. Affected: yes. Not counted in ClinVar's aggregate classification.

Literature cited by the submitters: DOI 10.21608/EAJBSC.2021.198981 (cited by Bioinformatics & Molecular Biology Unit, Faculty of Science, Al-Azhar University).

NM_001031709.3(RNLS):c.111G>C (p.Glu37Asp)

Genes: LIPJ (lipase family member J; plus strand), RNLS (renalase, FAD dependent amine oxidase; minus strand), LOC130004283 (ATAC-STARR-seq lymphoblastoid active region 3723; plus strand). Cytogenetic location: 10q23.31.
Variant type: single nucleotide variant.
Coding change: c.111G>C on transcript NM_001031709.3 (MANE Select); coding-DNA position 111, G replaced by C.
Protein change: p.Glu37Asp; replaces glutamic acid 37 with aspartic acid.
Molecular consequence: missense variant. On other transcripts: non-coding transcript variant (1).
Genome position (GRCh38, 1-based): chr10:88,583,080, C>G on the plus strand (G>C on the coding strand, the complement: RNLS is on the minus strand). VCF-style: chr10-88583080-C-G. GRCh37 (hg19) VCF-style: chr10-90342837-C-G.
Other names: c.111G>C, p.Glu37Asp (NM_018363.4); short protein forms E37D.
Identifiers: ClinVar variation 1250700 (VCV001250700.16), dbSNP rs2296545, ClinGen allele CA5590594.